The following is an entry in ClinVar:

ClinVar aggregate classification (germline): Likely benign. Review status: criteria provided, multiple submitters, no conflicts (2 of 4 stars). 2 submissions from 2 submitters: Likely benign (2). Last evaluated 2024-10-03.

Conditions:
Familial cancer of breast. Also called: hereditary breast carcinoma; BREAST CANCER, FAMILIAL; Hereditary breast cancer. Identifiers: Orphanet 227535, MedGen C0346153, MONDO:0016419, OMIM 114480. Disease mechanism: loss of function.

Submissions (2):

Myriad Genetics, Inc.
Classification: Likely benign for Familial cancer of breast. Last evaluated: 2024-10-03. Review status: criteria provided, single submitter. Criteria: Myriad Autosomal Dominant, Autosomal Recessive and X-Linked Classification Criteria (2023). Collection method: clinical testing. Allele origin: unknown.
Comment: This variant is considered likely benign. This variant is intronic and is not expected to impact mRNA splicing.

Labcorp Genetics (formerly Invitae), Labcorp
Classification: Likely benign for Familial cancer of breast. Last evaluated: 2024-02-03. Review status: criteria provided, single submitter. Criteria: Invitae Variant Classification Sherloc (09022015). Collection method: clinical testing. Allele origin: germline.

NM_007194.4(CHEK2):c.592+8T>C

Gene: CHEK2 (checkpoint kinase 2; minus strand). Cytogenetic location: 22q12.1.
Variant type: single nucleotide variant.
Coding change: c.592+8T>C on transcript NM_007194.4 (MANE Select); 8 bases into the intron after coding-DNA position 592, T replaced by C.
Molecular consequence: intron variant.
Genome position (GRCh38, 1-based): chr22:28,724,969, A>G on the plus strand (T>C on the coding strand, the complement: CHEK2 is on the minus strand). VCF-style: chr22-28724969-A-G. GRCh37 (hg19) VCF-style: chr22-29120957-A-G.
Other names: c.-72+8T>C (NM_001437942.1); c.445-46T>C (NM_001349956.3); c.592+8T>C (NM_145862.3); c.-186+8T>C (NM_001257387.3); c.685+8T>C (NM_001438295.1, NM_001438293.1); c.721+8T>C (NM_001438294.1, NM_001005735.3).
Identifiers: ClinVar variation 1556650 (VCV001556650.10), dbSNP rs2146055953, ClinGen allele CA2573157942.